The following is an entry in ClinVar:

NM_000136.3(FANCC):c.-78-3C>A

Gene: FANCC (FA complementation group C; minus strand). Cytogenetic location: 9q22.32.
Variant type: single nucleotide variant.
Coding change: c.-78-3C>A on transcript NM_000136.3 (MANE Select); 3 bases into the intron before 78 bases upstream of the start codon, C replaced by A.
Molecular consequence: intron variant.
Genome position (GRCh38, 1-based): chr9:95,249,372, G>T on the plus strand (C>A on the coding strand, the complement: FANCC is on the minus strand). VCF-style: chr9-95249372-G-T. GRCh37 (hg19) VCF-style: chr9-98011654-G-T.
Other names: c.-78-3C>A (NM_001243743.2, NM_001243744.2).
Identifiers: ClinVar variation 2810639 (VCV002810639.3), dbSNP rs2542865845, ClinGen allele CA2739269409.

ClinVar aggregate classification (germline): Uncertain significance (1 of 4 stars; one submission).

Conditions:
Fanconi anemia (FA). Also called: Fanconi's anemia. Identifiers: Orphanet 84, MedGen C0015625, MeSH D005199, MONDO:0019391.

Submission:

Labcorp Genetics (formerly Invitae), Labcorp
Classification: Uncertain significance for Fanconi anemia. Last evaluated: 2023-10-20. Review status: criteria provided, single submitter. Criteria: Invitae Variant Classification Sherloc (09022015). Collection method: clinical testing. Allele origin: germline.
Comment: This variant occurs in a non-coding region of the FANCC gene. It does not change the encoded amino acid sequence of the FANCC protein. It affects a nucleotide within the consensus splice site. This variant is not present in population databases (gnomAD no frequency). This variant has not been reported in the literature in individuals affected with FANCC-related conditions. Variants that disrupt the consensus splice site are a relatively common cause of aberrant splicing (PMID: 17576681, 9536098). Algorithms developed to predict the effect of sequence changes on RNA splicing suggest that this variant may disrupt the consensus splice site. In summary, the available evidence is currently insufficient to determine the role of this variant in disease. Therefore, it has been classified as a Variant of Uncertain Significance.

Literature cited by the submitters: PubMed 17576681; PubMed 9536098.